The following is an entry in ClinVar:

NM_001854.4(COL11A1):c.2549G>C (p.Gly850Ala)

Gene: COL11A1 (collagen type XI alpha 1 chain; minus strand). Cytogenetic location: 1p21.1.
Variant type: single nucleotide variant.
Coding change: c.2549G>C on transcript NM_001854.4 (MANE Select); coding-DNA position 2549, G replaced by C.
Protein change: p.Gly850Ala; replaces glycine 850 with alanine.
Molecular consequence: missense variant. On other transcripts: non-coding transcript variant (1).
Genome position (GRCh38, 1-based): chr1:102,984,145, C>G on the plus strand (G>C on the coding strand, the complement: COL11A1 is on the minus strand). VCF-style: chr1-102984145-C-G. GRCh37 (hg19) VCF-style: chr1-103449701-C-G.
Other names: c.2432G>C, p.Gly811Ala (NM_001190709.2); c.2585G>C, p.Gly862Ala (NM_080629.3); c.2201G>C, p.Gly734Ala (NM_080630.4); short protein forms G734A, G811A, G850A, G862A.
Identifiers: ClinVar variation 1376280 (VCV001376280.8), dbSNP rs756693376, ClinGen allele CA341164910.
Genomic context (GRCh38, chr1:102,984,145, plus strand): 5'-TTAATATTATCTTCACGAAATGTTAATAAACTATAAATATCAAGCTGTTTTACCTTTGGA[C>G]CTTGTCTTCCTGGATATCCTGGTAATCCTGGAACTCCAAGTTTTCCCTACAGTTAAAATA-3'
Protein context (NP_001845.3, residues 840-860): PGLPGYPGRQ[Gly850Ala]PKGSTGFPGF

ClinVar aggregate classification (germline): Uncertain significance (1 of 4 stars; one submission).

Allele frequency attached by ClinVar (database versions not stated): gnomAD exomes below 0.00001.
gnomAD v4.1: 3 of 1,600,324 alleles (0.00019%); highest among the groups gnomAD compares: Admixed American, 0.005%; no homozygotes.

Submission:

Labcorp Genetics (formerly Invitae), Labcorp
Classification: Uncertain significance. Last evaluated: 2025-04-13. Review status: criteria provided, single submitter. Criteria: Invitae Variant Classification Sherloc (09022015). Collection method: clinical testing. Allele origin: germline.
Comment: This sequence change replaces glycine, which is neutral and non-polar, with alanine, which is neutral and non-polar, at codon 850 of the COL11A1 protein (p.Gly850Ala). This variant is present in population databases (no rsID available, gnomAD 0.003%). This variant has not been reported in the literature in individuals affected with COL11A1-related conditions. ClinVar contains an entry for this variant (Variation ID: 1376280). Invitae Evidence Modeling of protein sequence and biophysical properties (such as structural, functional, and spatial information, amino acid conservation, physicochemical variation, residue mobility, and thermodynamic stability) indicates that this missense variant is expected to disrupt COL11A1 protein function with a positive predictive value of 80%. In summary, the available evidence is currently insufficient to determine the role of this variant in disease. Therefore, it has been classified as a Variant of Uncertain Significance.